The following is an entry in ClinVar:

ClinVar aggregate classification (germline): Benign. Review status: criteria provided, multiple submitters, no conflicts (2 of 4 stars). 2 submissions from 2 submitters: Benign (2). Last evaluated 2018-01-13.

Conditions:
Geleophysic dysplasia 1 (GPHYSD1). Also called: Geleophysic dwarfism. Identifiers: Orphanet 2623, MedGen C3278147, MONDO:0009269, OMIM 231050.

Allele frequency attached by ClinVar (database versions not stated): 1000 Genomes Project 0.03255; 1000 Genomes Project 30x 0.03810; TOPMed 0.06893; gnomAD 0.06980 and 0.07135; gnomAD exomes 0.07465.
gnomAD v4.1: 19,150 of 266,690 alleles (7.2%); highest among the groups gnomAD compares: Non-Finnish European, 11%; 961 homozygotes.

Submissions (2):

Illumina Laboratory Services, Illumina
Classification: Benign for Geleophysic dysplasia 1. Last evaluated: 2018-01-13. Review status: criteria provided, single submitter. Criteria: ICSL Variant Classification Criteria 13 December 2019. Collection method: clinical testing. Allele origin: germline.
Comment: This variant was observed in the ICSL laboratory as part of a predisposition screen in an ostensibly healthy population. It had not been previously curated by ICSL or reported in the Human Gene Mutation Database (HGMD: prior to June 1st, 2018), and was therefore a candidate for classification through an automated scoring system. Utilizing variant allele frequency, disease prevalence and penetrance estimates, and inheritance mode, an automated score was calculated to assess if this variant is too frequent to cause the disease. Based on the score and internal cut-off values, a variant classified as benign is not then subjected to further curation. The score for this variant resulted in a classification of benign for this disease.

Breakthrough Genomics
Classification: Benign. Review status: criteria provided, single submitter. Criteria: ACMG Guidelines, 2015. Collection method: not provided. Allele origin: germline. Inheritance: Autosomal recessive inheritance. Affected: yes.

NM_014694.4(ADAMTSL2):c.*376G>A

Gene: ADAMTSL2 (ADAMTS like 2; plus strand). Cytogenetic location: 9q34.2.
Variant type: single nucleotide variant.
Coding change: c.*376G>A on transcript NM_014694.4 (MANE Select); 376 bases downstream of the stop codon, G replaced by A.
Molecular consequence: 3 prime UTR variant.
Genome position (GRCh38, 1-based): chr9:133,575,240, G>A. VCF-style: chr9-133575240-G-A. GRCh37 (hg19) VCF-style: chr9-136440362-G-A.
Other names: c.*376G>A (NM_001145320.2).
Identifiers: ClinVar variation 365620 (VCV000365620.6), dbSNP rs113048552, ClinGen allele CA10632803.
Genomic context (GRCh38, chr9:133,575,240, plus strand): 5'-GGGCCCACAGCCAGCGGTGGAGGTGTCTTGCTCCGGGCCCGTAGCCCACGCCCTCTCTGG[G>A]TGGCAGGGCCTTCTGAAGGAAACTTGCAGGCGAGCCCAACGTGGTGGGGGGCCTTCCTCC-3'